The following is an entry in ClinVar:

NM_198282.4(STING1):c.257G>C (p.Arg86Pro)

Genes: STING1 (stimulator of interferon response cGAMP interactor 1; minus strand), LOC123522803 (Sharpr-MPRA regulatory region 11914; plus strand). Cytogenetic location: 5q31.2.
Variant type: single nucleotide variant.
Coding change: c.257G>C on transcript NM_198282.4 (MANE Select); coding-DNA position 257, G replaced by C.
Protein change: p.Arg86Pro; replaces arginine 86 with proline.
Molecular consequence: missense variant. On other transcripts: 5 prime UTR variant (1).
Genome position (GRCh38, 1-based): chr5:139,481,313, C>G on the plus strand (G>C on the coding strand, the complement: STING1 is on the minus strand). VCF-style: chr5-139481313-C-G. GRCh37 (hg19) VCF-style: chr5-138860898-C-G.
Other names: c.257G>C, p.Arg86Pro (NM_001301738.2); c.-101G>C (NM_001367258.1); short protein forms R86P.
Identifiers: ClinVar variation 967163 (VCV000967163.10), dbSNP rs777336363, ClinGen allele CA361481530.

ClinVar aggregate classification (germline): Uncertain significance (1 of 4 stars; one submission).

Conditions:
STING-associated vasculopathy with onset in infancy. Also called: Sting-associated vasculopathy, infantile-onset. Identifiers: Orphanet 425120, MedGen C4014722, MONDO:0014405, OMIM 615934.

gnomAD v4.1: 1 of 1,605,500 alleles (0.000062%); highest among the groups gnomAD compares: Admixed American, 0.0017%; no homozygotes.

Submission:

Labcorp Genetics (formerly Invitae), Labcorp
Classification: Uncertain significance for STING-associated vasculopathy with onset in infancy. Last evaluated: 2019-11-14. Review status: criteria provided, single submitter. Criteria: Invitae Variant Classification Sherloc (09022015). Collection method: clinical testing. Allele origin: germline.
Comment: This sequence change replaces arginine with proline at codon 86 of the TMEM173 protein (p.Arg86Pro). The arginine residue is moderately conserved and there is a moderate physicochemical difference between arginine and proline. This variant is not present in population databases (ExAC no frequency). This variant has not been reported in the literature in individuals with TMEM173-related conditions. Algorithms developed to predict the effect of missense changes on protein structure and function are either unavailable or do not agree on the potential impact of this missense change (SIFT: "Tolerated"; PolyPhen-2: "Possibly Damaging"; Align-GVGD: "Class C0"). In summary, the available evidence is currently insufficient to determine the role of this variant in disease. Therefore, it has been classified as a Variant of Uncertain Significance.